The following is an entry in ClinVar:

ClinVar aggregate classification (germline): Conflicting classifications of pathogenicity. Review status: criteria provided, conflicting classifications (1 of 4 stars). 2 submissions from 2 submitters: Uncertain significance (1); Likely benign (1). Last evaluated 2026-01-06.

Conditions:
Hereditary cancer-predisposing syndrome. Also called: Tumor predisposition; Hereditary neoplastic syndrome; Hereditary Cancer Syndrome; Neoplastic Syndromes, Hereditary. Identifiers: Orphanet 140162, MedGen C0027672, MeSH D009386, MONDO:0015356.
Ataxia-telangiectasia syndrome (AT). Also called: ATAXIA-TELANGIECTASIA, COMPLEMENTATION GROUP A; ATAXIA-TELANGIECTASIA, FRESNO VARIANT; Ataxia-telangiectasia; LOUIS-BAR SYNDROME; Ataxia-telangiectasia, complementation group E; Ataxia telangiectasia (A-T). Identifiers: Orphanet 100, MedGen C0004135, MONDO:0008840, OMIM 208900.

gnomAD v4.1: 3 of 1,613,986 alleles (0.00019%); highest among the groups gnomAD compares: East Asian, 0.0067%; no homozygotes.

Submissions (2):

Ambry Genetics
Classification: Likely benign for Hereditary cancer-predisposing syndrome. Last evaluated: 2026-01-06. Review status: criteria provided, single submitter. Criteria: Ambry Variant Classification Scheme 2023. Collection method: clinical testing. Allele origin: germline.

Labcorp Genetics (formerly Invitae), Labcorp
Classification: Uncertain significance for Ataxia-telangiectasia syndrome. Last evaluated: 2025-11-11. Review status: criteria provided, single submitter. Criteria: Invitae Variant Classification Sherloc (09022015). Collection method: clinical testing. Allele origin: germline.
Comment: This sequence change replaces proline, which is neutral and non-polar, with threonine, which is neutral and polar, at codon 829 of the ATM protein (p.Pro829Thr). This variant is not present in population databases (gnomAD no frequency). This variant has not been reported in the literature in individuals affected with ATM-related conditions. ClinVar contains an entry for this variant (Variation ID: 960575). Invitae Evidence Modeling of protein sequence and biophysical properties (such as structural, functional, and spatial information, amino acid conservation, physicochemical variation, residue mobility, and thermodynamic stability) indicates that this missense variant is not expected to disrupt ATM protein function with a negative predictive value of 95%. In summary, the available evidence is currently insufficient to determine the role of this variant in disease. Therefore, it has been classified as a Variant of Uncertain Significance.

NM_000051.4(ATM):c.2485C>A (p.Pro829Thr)

Gene: ATM (ATM serine/threonine kinase; plus strand). Cytogenetic location: 11q22.3.
Variant type: single nucleotide variant.
Coding change: c.2485C>A on transcript NM_000051.4 (MANE Select); coding-DNA position 2485, C replaced by A.
Protein change: p.Pro829Thr; replaces proline 829 with threonine.
Molecular consequence: missense variant.
Genome position (GRCh38, 1-based): chr11:108,267,189, C>A. VCF-style: chr11-108267189-C-A. GRCh37 (hg19) VCF-style: chr11-108137916-C-A.
Other names: c.2485C>A, p.Pro829Thr (NM_001351834.2); short protein forms P829T.
Identifiers: ClinVar variation 960575 (VCV000960575.10), dbSNP rs1060501546, ClinGen allele CA382543222.
Genomic context (GRCh38, chr11:108,267,189, plus strand): 5'-GCAAGAAGCCATCTTGAACATCTTTGTTTCTCTTCCTTGAAGGCATCCTTCATCAAAAAG[C>A]CATTTGACCGTGGAGAAGTAGAATCAATGGAAGATGATACTAATGGAAATCTAATGGAGG-3'
Protein context (NP_000042.3, residues 819-839): CKSLASFIKK[Pro829Thr]FDRGEVESME